The following is an entry in ClinVar:

ClinVar aggregate classification (germline): Pathogenic (1 of 4 stars; one submission).

Conditions:
Fetal akinesia deformation sequence 1 (FADS1). Also called: Fetal akinesia sequence; Pena-Shokeir syndrome type I. Identifiers: Orphanet 994, MedGen C1276035, MONDO:0100101, OMIM 208150, HP:0001989.
Congenital myasthenic syndrome 11. Also called: MYASTHENIC SYNDROME, CONGENITAL, Ie; Myasthenic syndrome, congenital, 11, associated with acetylcholine receptor deficiency. Identifiers: Orphanet 590, MedGen C4225367, MONDO:0014588, OMIM 616326.

Submission:

Labcorp Genetics (formerly Invitae), Labcorp
Classification: Pathogenic for Congenital myasthenic syndrome 11; Fetal akinesia deformation sequence 1. Last evaluated: 2024-03-12. Review status: criteria provided, single submitter. Criteria: Invitae Variant Classification Sherloc (09022015). Collection method: clinical testing. Allele origin: germline.
Comment: This sequence change creates a premature translational stop signal (p.Val32Cysfs*32) in the RAPSN gene. It is expected to result in an absent or disrupted protein product. Loss-of-function variants in RAPSN are known to be pathogenic (PMID: 17686188). This variant is not present in population databases (gnomAD no frequency). This variant has not been reported in the literature in individuals affected with RAPSN-related conditions. For these reasons, this variant has been classified as Pathogenic.

Literature cited by the submitters: PubMed 17686188.

NM_005055.5(RAPSN):c.94del (p.Val32fs)

Gene: RAPSN (receptor associated protein of the synapse; minus strand). Cytogenetic location: 11p11.2.
Variant type: Deletion.
Coding change: c.94del on transcript NM_005055.5 (MANE Select); coding-DNA position 94, one base deleted (G; older notation c.94delG).
Protein change: p.Val32fs; shifts the reading frame from valine 32.
Molecular consequence: frameshift variant.
Genome position (GRCh38, 1-based): chr11:47,448,871, C deleted on the plus strand (G on the coding strand, the reverse complement: RAPSN is on the minus strand); the first of 2 consecutive C bases (chr11:47,448,871-47,448,872); deleting either gives the same sequence. VCF-style (leftmost placement, unchanged base first): chr11-47448870-AC-A. GRCh37 (hg19) VCF-style: chr11-47470422-AC-A.
Other names: c.94del, p.Val32fs (NM_032645.5); short protein forms V32fs.
Identifiers: ClinVar variation 3753153 (VCV003753153.2).